The following is an entry in ClinVar:

ClinVar aggregate classification (germline): Uncertain significance (1 of 4 stars; one submission).

Submission:

Ambry Genetics
Classification: Uncertain significance. Last evaluated: 2021-12-14. Review status: criteria provided, single submitter. Criteria: Ambry Variant Classification Scheme 2023. Collection method: clinical testing. Allele origin: germline.
Comment: The p.V175F variant (also known as c.523G>T), located in coding exon 6 of the NPAT gene, results from a G to T substitution at nucleotide position 523. The valine at codon 175 is replaced by phenylalanine, an amino acid with highly similar properties. This amino acid position is conserved. In addition, this alteration is predicted to be tolerated by in silico analysis. Since supporting evidence is limited at this time, the clinical significance of this alteration remains unclear.

NM_002519.3(NPAT):c.523G>T (p.Val175Phe)

Gene: NPAT (nuclear protein, coactivator of histone transcription; minus strand). Cytogenetic location: 11q22.3.
Variant type: single nucleotide variant.
Coding change: c.523G>T on transcript NM_002519.3 (MANE Select); coding-DNA position 523, G replaced by T.
Protein change: p.Val175Phe; replaces valine 175 with phenylalanine.
Molecular consequence: missense variant.
Genome position (GRCh38, 1-based): chr11:108,189,139, C>A on the plus strand (G>T on the coding strand, the complement: NPAT is on the minus strand). VCF-style: chr11-108189139-C-A. GRCh37 (hg19) VCF-style: chr11-108059866-C-A.
Other names: c.523G>T, p.Val175Phe (NM_001321307.1); short protein forms V175F.
Identifiers: ClinVar variation 1746296 (VCV001746296.2), dbSNP rs2496745317, ClinGen allele CA382524138.